The following is an entry in ClinVar:

ClinVar aggregate classification (somatic clinical impact): Tier II - Potential (1 of 4 stars; one submission).

Conditions:
Embryonal neoplasm. Identifiers: MedGen C0027654, MONDO:0005564, HP:0002898.

Submission:

Institute for Genomic Medicine (IGM) Clinical Laboratory, Nationwide Children's Hospital
Classification: Tier II - Potential for Embryonal neoplasm. Assertion type: diagnostic. Clinical significance: supports diagnosis. Last evaluated: 2022-12-21. Review status: criteria provided, single submitter. Criteria: AMP/ASCO/CAP Guidelines, 2017. Collection method: clinical testing. Allele origin: somatic. Affected: yes.
Comment: Variant has Tier II (potential) clinical significance as a diagnostic inclusion criterion in embryonal neoplasm, based on the following evidence: 1) Documented in one or more cancer databases (e.g., St. Jude Pecan, COSMIC, CIViC, OncoKB). 2) Information in the literature supports potential biologic effect of variant. 3) Assists in diagnosis alone or along with other biomarkers based on small studies or few case reports (Evidence Level D; PMIDs: 26384299, 32111729).

Literature cited by the submitters: PubMed 26384299; PubMed 32111729.

NM_006015.6(ARID1A):c.6009dup (p.His2004fs)

Gene: ARID1A (AT-rich interaction domain 1A; plus strand). Cytogenetic location: 1p36.11.
Variant type: Duplication.
Coding change: c.6009dup on transcript NM_006015.6 (MANE Select); coding-DNA position 6009, one base duplicated (A; older notation c.6009dupA).
Protein change: p.His2004fs; shifts the reading frame from histidine 2004.
Molecular consequence: frameshift variant.
Genome position (GRCh38, 1-based): chr1:26,779,907, A duplicated; the last of 3 consecutive A bases (chr1:26,779,905-26,779,907); duplicating any one gives the same sequence. VCF-style (leftmost placement, unchanged base first): chr1-26779904-C-CA. GRCh37 (hg19) VCF-style: chr1-27106395-C-CA.
Other names: c.5358dup, p.His1787fs (NM_139135.4); short protein forms H1787fs, H2004fs.
Identifiers: ClinVar variation 4530196 (VCV004530196.1).